The following is an entry in ClinVar:

ClinVar aggregate classification (germline): Likely benign. Review status: criteria provided, multiple submitters, no conflicts (2 of 4 stars). 3 submissions from 3 submitters: Likely benign (3). Last evaluated 2025-10-14.

Conditions:
Multiple endocrine neoplasia, type 1 (MEN1). Also called: MEA I; MEN I; WERMER SYNDROME; Endocrine adenomatosis multiple; MEN 1. Identifiers: Orphanet 652, MedGen C0025267, MeSH D018761, MONDO:0007540, OMIM 131100.

Allele frequency attached by ClinVar (database versions not stated): TOPMed below 0.00001.

Submissions (3):

Labcorp Genetics (formerly Invitae), Labcorp
Classification: Likely benign for Multiple endocrine neoplasia, type 1. Last evaluated: 2025-10-14. Review status: criteria provided, single submitter. Criteria: Invitae Variant Classification Sherloc (09022015). Collection method: clinical testing. Allele origin: germline.

Color Diagnostics, LLC DBA Color Health
Classification: Likely benign for Multiple endocrine neoplasia, type 1. Last evaluated: 2025-08-04. Review status: criteria provided, single submitter. Criteria: ACMG Guidelines, 2015. Collection method: clinical testing. Allele origin: germline.

Myriad Genetics, Inc.
Classification: Likely benign for Multiple endocrine neoplasia, type 1. Last evaluated: 2024-11-04. Review status: criteria provided, single submitter. Criteria: Myriad Autosomal Dominant, Autosomal Recessive and X-Linked Classification Criteria (2023). Collection method: clinical testing. Allele origin: unknown.
Comment: This variant is considered likely benign. This variant is intronic and is not expected to impact mRNA splicing.

NM_001370259.2(MEN1):c.913-15C>T

Gene: MEN1 (menin 1; minus strand). Cytogenetic location: 11q13.1.
Variant type: single nucleotide variant.
Coding change: c.913-15C>T on transcript NM_001370259.2 (MANE Select); 15 bases into the intron before coding-DNA position 913, C replaced by T.
Molecular consequence: intron variant.
Genome position (GRCh38, 1-based): chr11:64,806,383, G>A on the plus strand (C>T on the coding strand, the complement: MEN1 is on the minus strand). VCF-style: chr11-64806383-G-A. GRCh37 (hg19) VCF-style: chr11-64573855-G-A.
Other names: c.913-15C>T (NM_130799.2, NM_130799.3, NM_001370260.2 and 2 more transcripts); c.928-15C>T (NM_130804.3, NM_130803.3, NM_000244.4 and 3 more transcripts); c.808-15C>T (NM_001370263.2, NM_001370262.2).
Identifiers: ClinVar variation 1636994 (VCV001636994.9), dbSNP rs1941734915, ClinGen allele CA1978889537.